The following is an entry in ClinVar:

NM_182914.3(SYNE2):c.9717G>T (p.Gln3239His)

Gene: SYNE2 (spectrin repeat containing nuclear envelope protein 2; plus strand). Cytogenetic location: 14q23.2.
Variant type: single nucleotide variant.
Coding change: c.9717G>T on transcript NM_182914.3 (MANE Select); coding-DNA position 9717, G replaced by T.
Protein change: p.Gln3239His; replaces glutamine 3239 with histidine.
Molecular consequence: missense variant.
Genome position (GRCh38, 1-based): chr14:64,053,630, G>T. VCF-style: chr14-64053630-G-T. GRCh37 (hg19) VCF-style: chr14-64520348-G-T.
Other names: c.9717G>T, p.Gln3239His (NM_015180.6); short protein forms Q3239H.
Identifiers: ClinVar variation 576108 (VCV000576108.12), dbSNP rs1428818552, ClinGen allele CA389982813.

ClinVar aggregate classification (germline): Uncertain significance. Review status: criteria provided, multiple submitters, no conflicts (2 of 4 stars). 3 submissions from 3 submitters: Uncertain significance (3). Last evaluated 2025-07-15.

Conditions:
Emery-Dreifuss muscular dystrophy 5, autosomal dominant (EDMD5). Also called: EMERY-DREIFUSS MUSCULAR DYSTROPHY 5. Identifiers: Orphanet 261, MedGen C2751805, MONDO:0013072, OMIM 612999.

Allele frequency attached by ClinVar (database versions not stated): gnomAD exomes below 0.00001 and 0.00001; gnomAD 0.00001; TOPMed 0.00002.
gnomAD v4.1: 11 of 1,613,238 alleles (0.00068%); highest among the groups gnomAD compares: Admixed American, 0.0033%; no homozygotes.

Submissions (3):

Ambry Genetics
Classification: Uncertain significance. Last evaluated: 2025-07-15. Review status: criteria provided, single submitter. Criteria: Ambry Variant Classification Scheme 2023. Collection method: clinical testing. Allele origin: germline.

Labcorp Genetics (formerly Invitae), Labcorp
Classification: Uncertain significance for Emery-Dreifuss muscular dystrophy 5, autosomal dominant. Last evaluated: 2024-04-25. Review status: criteria provided, single submitter. Criteria: Invitae Variant Classification Sherloc (09022015). Collection method: clinical testing. Allele origin: germline.
Comment: This sequence change replaces glutamine, which is neutral and polar, with histidine, which is basic and polar, at codon 3239 of the SYNE2 protein (p.Gln3239His). This variant is present in population databases (no rsID available, gnomAD 0.003%). This variant has not been reported in the literature in individuals affected with SYNE2-related conditions. ClinVar contains an entry for this variant (Variation ID: 576108). Algorithms developed to predict the effect of missense changes on protein structure and function output the following: SIFT: "Not Available"; PolyPhen-2: "Possibly Damaging"; Align-GVGD: "Not Available". The histidine amino acid residue is found in multiple mammalian species, which suggests that this missense change does not adversely affect protein function. In summary, the available evidence is currently insufficient to determine the role of this variant in disease. Therefore, it has been classified as a Variant of Uncertain Significance.

Revvity Omics, Revvity
Classification: Uncertain significance for Emery-Dreifuss muscular dystrophy 5, autosomal dominant. Last evaluated: 2019-10-08. Review status: criteria provided, single submitter. Criteria: ACMG Guidelines, 2015. Collection method: clinical testing. Allele origin: germline.